The following is an entry in ClinVar:

NM_004990.4(MARS1):c.680C>T (p.Thr227Ile)

Gene: MARS1 (methionyl-tRNA synthetase 1; plus strand). Cytogenetic location: 12q13.3.
Variant type: single nucleotide variant.
Coding change: c.680C>T on transcript NM_004990.4 (MANE Select); coding-DNA position 680, C replaced by T.
Protein change: p.Thr227Ile; replaces threonine 227 with isoleucine.
Molecular consequence: missense variant.
Genome position (GRCh38, 1-based): chr12:57,490,554, C>T. VCF-style: chr12-57490554-C-T. GRCh37 (hg19) VCF-style: chr12-57884337-C-T.
Other names: short protein forms T227I.
Identifiers: ClinVar variation 706400 (VCV000706400.14), dbSNP rs73344082, ClinGen allele CA6650258.

ClinVar aggregate classification (germline): Conflicting classifications of pathogenicity. Review status: criteria provided, conflicting classifications (1 of 4 stars). 4 submissions from 4 submitters: Uncertain significance (1); Likely benign (2). 1 of the submissions does not count toward it. Last evaluated 2026-01-06.

Conditions:
MARS1-related disorder. Also called: MARS1-related condition.
Charcot-Marie-Tooth disease axonal type 2U. Also called: CHARCOT-MARIE-TOOTH NEUROPATHY, TYPE 2U; CHARCOT-MARIE-TOOTH DISEASE, AXONAL, AUTOSOMAL DOMINANT, TYPE 2U. Identifiers: Orphanet 397735, MedGen C4084821, MONDO:0014566, OMIM 616280.
Severe early-onset pulmonary alveolar proteinosis due to MARS deficiency. Also called: PULMONARY ALVEOLAR PROTEINOSIS, REUNION ISLAND; Interstitial lung and liver disease. Identifiers: Orphanet 440427, MedGen C4225400, MONDO:0014206, OMIM 615486.

Allele frequency attached by ClinVar (database versions not stated): ExAC 0.00061; 1000 Genomes Project 30x 0.00328; 1000 Genomes Project 0.00359; TOPMed 0.00190; ESP Exome Variant Server 0.00169; gnomAD 0.00186 and 0.00185; gnomAD exomes 0.00019 and 0.00043.
gnomAD v4.1: 586 of 1,614,122 alleles (0.036%); highest among the groups gnomAD compares: African/African-American, 0.68%; 5 homozygotes.

Submissions (4):

Labcorp Genetics (formerly Invitae), Labcorp
Classification: Likely benign for Charcot-Marie-Tooth disease axonal type 2U; Severe early-onset pulmonary alveolar proteinosis due to MARS deficiency. Last evaluated: 2026-01-06. Review status: criteria provided, single submitter. Criteria: Invitae Variant Classification Sherloc (09022015). Collection method: clinical testing. Allele origin: germline.

Ambry Genetics
Classification: Likely benign. Last evaluated: 2025-08-05. Review status: criteria provided, single submitter. Criteria: Ambry Variant Classification Scheme 2023. Collection method: clinical testing. Allele origin: germline.

GeneDx
Classification: Uncertain significance. Last evaluated: 2024-07-13. Review status: criteria provided, single submitter. Criteria: GeneDx Variant Classification Process June 2021. Collection method: clinical testing. Allele origin: germline. Affected: yes.
Comment: In silico analysis indicates that this missense variant does not alter protein structure/function; Has not been previously published as pathogenic or benign to our knowledge

PreventionGenetics, part of Exact Sciences
Classification: Likely benign for MARS1-related condition. Last evaluated: 2019-07-01. Review status: no assertion criteria provided. Collection method: clinical testing. Allele origin: germline. Not counted in ClinVar's aggregate classification.
Comment: This variant is classified as likely benign based on ACMG/AMP sequence variant interpretation guidelines (Richards et al. 2015 PMID: 25741868, with internal and published modifications).